The following is an entry in ClinVar:

ClinVar aggregate classification (germline): Uncertain significance. Review status: criteria provided, multiple submitters, no conflicts (2 of 4 stars). 2 submissions from 2 submitters: Uncertain significance (2). Last evaluated 2022-08-01.

Allele frequency attached by ClinVar (database versions not stated): gnomAD exomes below 0.00001 and 0.00001; TOPMed below 0.00001; ExAC 0.00001; gnomAD 0.00001.
gnomAD v4.1: 12 of 1,613,990 alleles (0.00074%); highest among the groups gnomAD compares: Middle Eastern, 0.016%; no homozygotes.

Submissions (2):

CeGaT Center for Human Genetics Tuebingen
Classification: Uncertain significance. Last evaluated: 2022-08-01. Review status: criteria provided, single submitter. Criteria: CeGaT Center For Human Genetics Tuebingen Variant Classification Criteria Version 2. Collection method: clinical testing. Allele origin: germline. Affected: yes. Observed: 1 variant allele.
Comment: SPG7: PM2, PP3

Mayo Clinic Laboratories, Mayo Clinic
Classification: Uncertain significance. Last evaluated: 2021-03-16. Review status: criteria provided, single submitter. Criteria: ACMG Guidelines, 2015. Collection method: clinical testing. Allele origin: germline. Observed: 1 variant allele.

NM_003119.4(SPG7):c.1015G>A (p.Ala339Thr)

Gene: SPG7 (SPG7 matrix AAA peptidase subunit, paraplegin; plus strand). Cytogenetic location: 16q24.3.
Variant type: single nucleotide variant.
Coding change: c.1015G>A on transcript NM_003119.4 (MANE Select); coding-DNA position 1015, G replaced by A.
Protein change: p.Ala339Thr; replaces alanine 339 with threonine.
Molecular consequence: missense variant.
Genome position (GRCh38, 1-based): chr16:89,531,931, G>A. VCF-style: chr16-89531931-G-A. GRCh37 (hg19) VCF-style: chr16-89598339-G-A.
Other names: c.1015G>A, p.Ala339Thr (NM_001363850.1, NM_199367.3); short protein forms A339T.
Identifiers: ClinVar variation 1163596 (VCV001163596.35), dbSNP rs753406143, ClinGen allele CA8243906.
Genomic context (GRCh38, chr16:89,531,931, plus strand): 5'-GTAGTTAGTGTTGCATTGTCTGCTGCCGTCCAGAGCCCAGAACGCTTCCTCCAGCTTGGC[G>A]CCAAGGTCCCAAAGGGCGCACTGCTGCTCGGCCCCCCCGGCTGTGGGAAGACGCTGCTGG-3'
Protein context (NP_003110.1, residues 329-349): KSPERFLQLG[Ala339Thr]KVPKGALLLG